The following is an entry in ClinVar:

ClinVar aggregate classification (germline): Pathogenic (1 of 4 stars; one submission).

Submissions (2):

GeneDx
Classification: Pathogenic. Last evaluated: 2026-04-19. Review status: criteria provided, single submitter. Criteria: GeneDx Variant Classification Process June 2021. Collection method: clinical testing. Allele origin: germline.
Comment: Canonical splice site variant predicted to result in a null allele in a gene for which loss of function is a known mechanism of disease; Not observed at significant frequency in large population cohorts (gnomAD); Has not been previously published as pathogenic or benign to our knowledge

Dr. Peter K. Rogan Lab, Western University
No classification provided (evidence only). Condition: Colon adenocarcinoma. Review status: no classification provided. Collection method: in vitro. Allele origin: not applicable. Functional consequence: skipped exon. Not counted in ClinVar's aggregate classification.

NM_003730.6(RNASET2):c.447-1G>A

Gene: RNASET2 (ribonuclease T2; minus strand). Cytogenetic location: 6q27.
Variant type: single nucleotide variant.
Coding change: c.447-1G>A on transcript NM_003730.6 (MANE Select); the canonical splice acceptor site of the intron before coding-DNA position 447, G replaced by A.
Molecular consequence: splice acceptor variant.
Genome position (GRCh38, 1-based): chr6:166,934,137, C>T on the plus strand (G>A on the coding strand, the complement: RNASET2 is on the minus strand). VCF-style: chr6-166934137-C-T. GRCh37 (hg19) VCF-style: chr6-167347625-C-T.
Other names: NC_000006.11:g.167347625C>T.
Identifiers: ClinVar variation 4323358 (VCV004323358.2).